The following is an entry in ClinVar:

ClinVar aggregate classification (germline): Uncertain significance. Review status: criteria provided, multiple submitters, no conflicts (2 of 4 stars). 2 submissions from 2 submitters: Uncertain significance (2). Last evaluated 2025-10-25.

Conditions:
Immunodeficiency 39 (IMD39). Identifiers: Orphanet 574918, MedGen C4225358, MONDO:0014597, OMIM 616345.

Allele frequency attached by ClinVar (database versions not stated): gnomAD exomes 0.00005 and 0.00009; TOPMed 0.00005; gnomAD 0.00006; ExAC 0.00010; ESP Exome Variant Server 0.00016.
gnomAD v4.1: 85 of 1,579,696 alleles (0.0054%); highest among the groups gnomAD compares: Non-Finnish European, 0.0066%; no homozygotes.

Submissions (2):

Labcorp Genetics (formerly Invitae), Labcorp
Classification: Uncertain significance for Immunodeficiency 39. Last evaluated: 2025-10-25. Review status: criteria provided, single submitter. Criteria: Invitae Variant Classification Sherloc (09022015). Collection method: clinical testing. Allele origin: germline.
Comment: This sequence change replaces arginine, which is basic and polar, with glutamine, which is neutral and polar, at codon 15 of the IRF7 protein (p.Arg15Gln). This variant is present in population databases (rs368180035, gnomAD 0.01%). This variant has not been reported in the literature in individuals affected with IRF7-related conditions. ClinVar contains an entry for this variant (Variation ID: 566397). An algorithm developed to predict the effect of missense changes on protein structure and function (PolyPhen-2) suggests that this variant is likely to be tolerated. In summary, the available evidence is currently insufficient to determine the role of this variant in disease. Therefore, it has been classified as a Variant of Uncertain Significance.

Ambry Genetics
Classification: Uncertain significance. Last evaluated: 2024-02-28. Review status: criteria provided, single submitter. Criteria: Ambry Variant Classification Scheme 2023. Collection method: clinical testing. Allele origin: germline.

NM_001572.5(IRF7):c.21-16G>A

Gene: IRF7 (interferon regulatory factor 7; minus strand). Cytogenetic location: 11p15.5.
Variant type: single nucleotide variant.
Coding change: c.21-16G>A on transcript NM_001572.5 (MANE Select); 16 bases into the intron before coding-DNA position 21, G replaced by A.
Molecular consequence: intron variant. On other transcripts: missense variant (1).
Genome position (GRCh38, 1-based): chr11:615,275, C>T on the plus strand (G>A on the coding strand, the complement: IRF7 is on the minus strand). VCF-style: chr11-615275-C-T. GRCh37 (hg19) VCF-style: chr11-615275-C-T.
Other names: c.21-16G>A (LRG_1313t1, NM_004029.4); c.44G>A, p.Arg15Gln (NM_004031.4); short protein forms R15Q.
Identifiers: ClinVar variation 566397 (VCV000566397.7), dbSNP rs368180035, ClinGen allele CA5784117.
Genomic context (GRCh38, chr11:615,275, plus strand): 5'-ATCTCTCCAAGGAGCCACTCTCCGAACAGCACGCGTGGGGCTGCCCTGCGGGTGCCCGGC[C>T]GCGGAGAGTCAGGGCCGGCTGCAGGGCGCTCGGGGACTGGCATCTGGAGAGGGTGGGCCG-3'